The following is an entry in ClinVar:

NM_005633.4(SOS1):c.3101C>A (p.Pro1034His)

Gene: SOS1 (SOS Ras/Rac guanine nucleotide exchange factor 1; minus strand). Cytogenetic location: 2p22.1.
Variant type: single nucleotide variant.
Coding change: c.3101C>A on transcript NM_005633.4 (MANE Select); coding-DNA position 3101, C replaced by A.
Protein change: p.Pro1034His; replaces proline 1034 with histidine.
Molecular consequence: missense variant.
Genome position (GRCh38, 1-based): chr2:38,995,368, G>T on the plus strand (C>A on the coding strand, the complement: SOS1 is on the minus strand). VCF-style: chr2-38995368-G-T. GRCh37 (hg19) VCF-style: chr2-39222509-G-T.
Other names: c.3080C>A, p.Pro1027His (NM_001382394.1); c.3101C>A, p.Pro1034His (NM_001382395.1); short protein forms P1027H, P1034H.
Identifiers: ClinVar variation 3224885 (VCV003224885.1), dbSNP rs2528915790, ClinGen allele CA346361225.

ClinVar aggregate classification (germline): Uncertain significance (1 of 4 stars; one submission).

Conditions:
Cardiovascular phenotype. Identifiers: MedGen CN230736.

Allele frequency attached by ClinVar (database versions not stated): gnomAD exomes below 0.00001.
gnomAD v4.1: 2 of 1,613,246 alleles (0.00012%); highest among the groups gnomAD compares: East Asian, 0.0022%; no homozygotes.

Submission:

Ambry Genetics
Classification: Uncertain significance for Cardiovascular phenotype. Last evaluated: 2023-12-29. Review status: criteria provided, single submitter. Criteria: Ambry Variant Classification Scheme 2023. Collection method: clinical testing. Allele origin: germline.
Comment: The p.P1034H variant (also known as c.3101C>A), located in coding exon 20 of the SOS1 gene, results from a C to A substitution at nucleotide position 3101. The proline at codon 1034 is replaced by histidine, an amino acid with similar properties. This amino acid position is conserved. In addition, this alteration is predicted to be tolerated by in silico analysis. Since supporting evidence is limited at this time, the clinical significance of this alteration remains unclear.